The following is an entry in ClinVar:

ClinVar aggregate classification (germline): Pathogenic/Likely pathogenic. Review status: criteria provided, multiple submitters, no conflicts (2 of 4 stars). 2 submissions from 2 submitters: Pathogenic (1); Likely pathogenic (1). Last evaluated 2021-11-25.

Conditions:
Basal cell carcinoma, susceptibility to, 1. Also called: BCC1. Identifiers: MedGen C2751544, MONDO:0011556, OMIM 605462.
Capillary malformation-arteriovenous malformation 1 (CMAVM1). Identifiers: Orphanet 137667, Orphanet 693907, MedGen C4747394, MONDO:0020783, OMIM 608354.
Capillary malformation-arteriovenous malformation syndrome. Also called: Capillary malformation-arteriovenous malformation. Identifiers: Orphanet 137667, MedGen C1842180, MONDO:0012016.

Submissions (2):

Fulgent Genetics
Classification: Pathogenic for Basal cell carcinoma, susceptibility to, 1; Capillary malformation-arteriovenous malformation 1. Last evaluated: 2021-11-25. Review status: criteria provided, single submitter. Criteria: ACMG Guidelines, 2015. Collection method: clinical testing. Allele origin: unknown.

Labcorp Genetics (formerly Invitae), Labcorp
Classification: Likely pathogenic for Capillary malformation-arteriovenous malformation syndrome. Last evaluated: 2016-06-03. Review status: criteria provided, single submitter. Criteria: Invitae Variant Classification Sherloc (09022015). Collection method: clinical testing. Allele origin: germline.
Comment: In summary, this truncating variant is absent from population databases, it has been reported in affected individuals and it has been shown to segregate with disease in one family. For these reasons, this variant has been classified as Likely Pathogenic. Truncating variants located in the last exon or within the last 50 nucleotides of the previous to last exon of genes, are not necessarily pathogenic (PMID: 24274751). Family variant testing has shown that this variant segregates with disease in affected family members (Invitae database). In addition, it has been reported in the literature in an additional unrelated individual affected with capillary malformations (PMID: 24038909). This variant is not present in population databases (ExAC no frequency). This sequence change results in a premature translational stop signal in the last exon of the RASA1 mRNA at codon 1019 (p.Gln1019*). While this is not anticipated to result in nonsense mediated decay, it is expected to create a truncated RASA1 protein.

Literature cited by the submitters: PubMed 24274751 (cited by Labcorp Genetics (formerly Invitae), Labcorp); PubMed 24038909 (cited by Labcorp Genetics (formerly Invitae), Labcorp).

NM_002890.3(RASA1):c.3055C>T (p.Gln1019Ter)

Genes: CCNH (cyclin H; minus strand), RASA1 (RAS p21 protein activator 1; plus strand). Cytogenetic location: 5q14.3.
Variant type: single nucleotide variant.
Coding change: c.3055C>T on transcript NM_002890.3 (MANE Select); coding-DNA position 3055, C replaced by T.
Protein change: p.Gln1019Ter; replaces glutamine 1019 with a stop codon.
Molecular consequence: nonsense. On other transcripts: intron variant (1).
Genome position (GRCh38, 1-based): chr5:87,389,522, C>T. VCF-style: chr5-87389522-C-T. GRCh37 (hg19) VCF-style: chr5-86685339-C-T.
Other names: c.2524C>T, p.Gln842Ter (NM_022650.3); c.933+5522G>A (NM_001364075.2); short protein forms Q1019*, Q842*.
Identifiers: ClinVar variation 411713 (VCV000411713.10), dbSNP rs1060503440, ClinGen allele CA16611929.